The following is an entry in ClinVar:

NM_000744.7(CHRNA4):c.913C>G (p.Leu305Val)

Gene: CHRNA4 (cholinergic receptor nicotinic alpha 4 subunit; minus strand). Cytogenetic location: 20q13.33.
Variant type: single nucleotide variant.
Coding change: c.913C>G on transcript NM_000744.7 (MANE Select); coding-DNA position 913, C replaced by G.
Protein change: p.Leu305Val; replaces leucine 305 with valine.
Molecular consequence: missense variant. On other transcripts: non-coding transcript variant (1).
Genome position (GRCh38, 1-based): chr20:63,350,498, G>C on the plus strand (C>G on the coding strand, the complement: CHRNA4 is on the minus strand). VCF-style: chr20-63350498-G-C. GRCh37 (hg19) VCF-style: chr20-61981850-G-C.
Other names: c.385C>G, p.Leu129Val (NM_001256573.2); short protein forms L129V, L305V.
Identifiers: ClinVar variation 1351848 (VCV001351848.8), dbSNP rs2123472055, ClinGen allele CA409636203.

ClinVar aggregate classification (germline): Uncertain significance (1 of 4 stars; one submission).

Conditions:
Familial sleep-related hypermotor epilepsy. Also called: Autosomal Dominant Sleep-Related Hypermotor (Hyperkinetic) Epilepsy. Identifiers: Orphanet 98784, MedGen C3696898, MONDO:0000030.

Submission:

Labcorp Genetics (formerly Invitae), Labcorp
Classification: Uncertain significance. Last evaluated: 2020-12-05. Review status: criteria provided, single submitter. Criteria: Invitae Variant Classification Sherloc (09022015). Collection method: clinical testing. Allele origin: germline.
Comment: This variant has not been reported in the literature in individuals with CHRNA4-related conditions. This variant is not present in population databases (ExAC no frequency). This sequence change replaces leucine with valine at codon 305 of the CHRNA4 protein (p.Leu305Val). The leucine residue is highly conserved and there is a small physicochemical difference between leucine and valine. Algorithms developed to predict the effect of missense changes on protein structure and function (SIFT, PolyPhen-2, Align-GVGD) all suggest that this variant is likely to be disruptive, but these predictions have not been confirmed by published functional studies and their clinical significance is uncertain. In summary, the available evidence is currently insufficient to determine the role of this variant in disease. Therefore, it has been classified as a Variant of Uncertain Significance. Algorithms developed to predict the effect of sequence changes on RNA splicing suggest that this variant may create or strengthen a splice site, but this prediction has not been confirmed by published transcriptional studies.